The following is an entry in ClinVar:

ClinVar aggregate classification (germline): Uncertain significance (1 of 4 stars; one submission).

Conditions:
Hereditary cancer-predisposing syndrome. Also called: Tumor predisposition; Neoplastic Syndromes, Hereditary; Hereditary neoplastic syndrome; Hereditary Cancer Syndrome. Identifiers: Orphanet 140162, MedGen C0027672, MeSH D009386, MONDO:0015356.

gnomAD v4.1: 1 of 1,612,910 alleles (0.000062%); highest among the groups gnomAD compares: Non-Finnish European, 0.000085%; no homozygotes.

Submission:

Ambry Genetics
Classification: Uncertain significance for Hereditary cancer-predisposing syndrome. Last evaluated: 2024-08-03. Review status: criteria provided, single submitter. Criteria: Ambry Variant Classification Scheme 2023. Collection method: clinical testing. Allele origin: germline.
Comment: The p.R1372H variant (also known as c.4115G>A), located in coding exon 28 of the SMARCA4 gene, results from a G to A substitution at nucleotide position 4115. The arginine at codon 1372 is replaced by histidine, an amino acid with highly similar properties. This amino acid position is conserved. In addition, this alteration is predicted to be deleterious by in silico analysis. Based on the available evidence, the clinical significance of this variant remains unclear.

NM_003072.5(SMARCA4):c.4115G>A (p.Arg1372His)

Gene: SMARCA4 (SWI/SNF related BAF chromatin remodeling complex subunit ATPase 4; plus strand). Cytogenetic location: 19p13.2.
Variant type: single nucleotide variant.
Coding change: c.4115G>A on transcript NM_003072.5 (MANE Select); coding-DNA position 4115, G replaced by A.
Protein change: p.Arg1372His; replaces arginine 1372 with histidine.
Molecular consequence: missense variant. On other transcripts: non-coding transcript variant (1).
Genome position (GRCh38, 1-based): chr19:11,035,077, G>A. VCF-style: chr19-11035077-G-A. GRCh37 (hg19) VCF-style: chr19-11145753-G-A.
Other names: c.4115G>A, p.Arg1372His (NM_001128844.3, NM_001128849.3, NM_001387283.1); c.4016G>A, p.Arg1339His (NM_001128845.2, NM_001128846.2, NM_001128847.4 and 3 more transcripts); short protein forms R1339H, R1372H.
Identifiers: ClinVar variation 3445985 (VCV003445985.1).